The following is an entry in ClinVar:

NM_000055.4(BCHE):c.495_498del (p.Arg166fs)

Gene: BCHE (butyrylcholinesterase; minus strand). Cytogenetic location: 3q26.1.
Variant type: Deletion.
Coding change: c.495_498del on transcript NM_000055.4 (MANE Select); coding-DNA positions 495 to 498, 4 bases deleted (AAGA; older notation c.495_498delAAGA).
Protein change: p.Arg166fs; shifts the reading frame from arginine 166.
Molecular consequence: frameshift variant. On other transcripts: non-coding transcript variant (1).
Genome position (GRCh38, 1-based): chr3:165,830,536-165,830,539, TCTT deleted on the plus strand (AAGA on the coding strand, the reverse complement: BCHE is on the minus strand); deleting any 4 consecutive bases within chr3:165,830,536-165,830,541 gives the same sequence; the c. name uses the placement nearest the transcript's 3' end. VCF-style (leftmost placement, unchanged base first): chr3-165830535-CTCTT-C. GRCh37 (hg19) VCF-style: chr3-165548323-CTCTT-C.
Other names: c.495_498delAAGA (NM_000055.3); short protein forms R166fs.
Identifiers: ClinVar variation 370518 (VCV000370518.5), dbSNP rs772259613, ClinGen allele CA2692493.

ClinVar aggregate classification (germline): Likely pathogenic. Review status: criteria provided, single submitter (1 of 4 stars). 2 submissions from 2 submitters: Likely pathogenic (1). 1 of the submissions does not count toward it. Last evaluated 2023-03-28.

Conditions:
Deficiency of butyrylcholinesterase (BCHED). Also called: Acholinesterasemia; Deficiency of butyrylcholine esterase; Butyrylcholinesterase deficiency; BCHE, silent 1. Identifiers: Orphanet 132, MedGen C1283400, MONDO:0015270, OMIM 617936.

Submissions (2):

Women's Health and Genetics/Laboratory Corporation of America, LabCorp
Classification: Likely pathogenic for Deficiency of butyrylcholinesterase. Last evaluated: 2023-03-28. Review status: criteria provided, single submitter. Criteria: LabCorp Variant Classification Summary - May 2015. Collection method: clinical testing. Allele origin: germline.
Comment: Variant summary: BCHE c.495_498delAAGA (p.Arg166LeufsX3) results in a premature termination codon, predicted to cause a truncation of the encoded protein or absence of the protein due to nonsense mediated decay, which are commonly known mechanisms for disease. Truncations downstream of this position have been classified as pathogenic by our laboratory. The variant allele was found at a frequency of 8e-06 in 250730 control chromosomes (gnomAD). To our knowledge, no occurrence of c.495_498delAAGA in individuals affected with Deficiency Of Butyrylcholine Esterase and no experimental evidence demonstrating its impact on protein function have been reported. One clinical diagnostic laboratory has submitted clinical-significance assessments for this variant to ClinVar after 2014 and classified the variant as likely pathogenic. Based on the evidence outlined above, the variant was classified as likely pathogenic.

Counsyl
Classification: Likely pathogenic. Last evaluated: 2016-02-22. Review status: no assertion criteria provided. Collection method: clinical testing. Allele origin: unknown. Not counted in ClinVar's aggregate classification.